The following is an entry in ClinVar:

ClinVar aggregate classification (germline): Benign/Likely benign. Review status: criteria provided, multiple submitters, no conflicts (2 of 4 stars). 3 submissions from 3 submitters: Benign (1); Likely benign (1). 1 of the submissions does not count toward it. Last evaluated 2022-09-01.

Conditions:
MAP7D3-related disorder. Also called: MAP7D3-related condition.

Allele frequency attached by ClinVar (database versions not stated): gnomAD exomes 0.00011 and 0.00026; ExAC 0.00034; gnomAD 0.00085 and 0.00092; ESP Exome Variant Server 0.00096; TOPMed 0.00114; 1000 Genomes Project 0.00132; 1000 Genomes Project 30x 0.00146.
gnomAD v4.1: 212 of 1,209,597 alleles (0.018%); highest among the groups gnomAD compares: African/African-American, 0.35%; 1 homozygote.

Submissions (3):

CeGaT Center for Human Genetics Tuebingen
Classification: Likely benign. Last evaluated: 2022-09-01. Review status: criteria provided, single submitter. Criteria: CeGaT Center For Human Genetics Tuebingen Variant Classification Criteria Version 2. Collection method: clinical testing. Allele origin: germline. Affected: yes. Observed: 1 variant allele.
Comment: MAP7D3: BP4, BP7

Labcorp Genetics (formerly Invitae), Labcorp
Classification: Benign. Last evaluated: 2017-10-13. Review status: criteria provided, single submitter. Criteria: Invitae Variant Classification Sherloc (09022015). Collection method: clinical testing. Allele origin: germline.

PreventionGenetics, part of Exact Sciences
Classification: Likely benign for MAP7D3-related condition. Last evaluated: 2019-08-14. Review status: no assertion criteria provided. Collection method: clinical testing. Allele origin: germline. Not counted in ClinVar's aggregate classification.
Comment: This variant is classified as likely benign based on ACMG/AMP sequence variant interpretation guidelines (Richards et al. 2015 PMID: 25741868, with internal and published modifications).

NM_024597.4(MAP7D3):c.1011A>G (p.Ser337=)

Gene: MAP7D3 (MAP7 domain containing 3; minus strand). Cytogenetic location: Xq26.3.
Variant type: single nucleotide variant.
Coding change: c.1011A>G on transcript NM_024597.4 (MANE Select); coding-DNA position 1011, A replaced by G.
Protein change: p.Ser337=; no amino-acid change (serine 337 retained).
Molecular consequence: synonymous variant.
Genome position (GRCh38, 1-based): chrX:136,231,946, T>C on the plus strand (A>G on the coding strand, the complement: MAP7D3 is on the minus strand). VCF-style: chrX-136231946-T-C. GRCh37 (hg19) VCF-style: chrX-135314105-T-C.
Other names: c.957A>G, p.Ser319= (NM_001173516.1); c.906A>G, p.Ser302= (NM_001173517.2).
Identifiers: ClinVar variation 783915 (VCV000783915.28), dbSNP rs192207499, ClinGen allele CA10525590.
Genomic context (GRCh38, chrX:136,231,946, plus strand): 5'-GCTCATCTCAGAATCATATGTGCTCACCACAGGCGACACGTCCACGCTCACCACAGGGAA[T>C]GAGTCCGTGCTCACCTCAGGGGCCATGCCCACACCTGCCTTGGGGGACGCTTCCATGCTT-3'
Protein context (NP_078873.2, residues 327-347): VGMAPEVSTD[Ser337=]FPVVSVDVSP